The following is an entry in ClinVar:

ClinVar aggregate classification (germline): Uncertain significance (1 of 4 stars; one submission).

Allele frequency attached by ClinVar (database versions not stated): TOPMed 0.00001.

Submission:

Labcorp Genetics (formerly Invitae), Labcorp
Classification: Uncertain significance. Last evaluated: 2025-07-16. Review status: criteria provided, single submitter. Criteria: Invitae Variant Classification Sherloc (09022015). Collection method: clinical testing. Allele origin: germline.
Comment: This sequence change replaces arginine, which is basic and polar, with glutamine, which is neutral and polar, at codon 1663 of the POLR1A protein (p.Arg1663Gln). This variant is present in population databases (rs753605159, gnomAD 0.01%). This variant has not been reported in the literature in individuals affected with POLR1A-related conditions. ClinVar contains an entry for this variant (Variation ID: 1897712). Invitae Evidence Modeling of protein sequence and biophysical properties (such as structural, functional, and spatial information, amino acid conservation, physicochemical variation, residue mobility, and thermodynamic stability) indicates that this missense variant is not expected to disrupt POLR1A protein function with a negative predictive value of 80%. In summary, the available evidence is currently insufficient to determine the role of this variant in disease. Therefore, it has been classified as a Variant of Uncertain Significance.

NM_015425.6(POLR1A):c.4988G>A (p.Arg1663Gln)

Gene: POLR1A (RNA polymerase I subunit A; minus strand). Cytogenetic location: 2p11.2.
Variant type: single nucleotide variant.
Coding change: c.4988G>A on transcript NM_015425.6 (MANE Select); coding-DNA position 4988, G replaced by A.
Protein change: p.Arg1663Gln; replaces arginine 1663 with glutamine.
Molecular consequence: missense variant.
Genome position (GRCh38, 1-based): chr2:86,027,959, C>T on the plus strand (G>A on the coding strand, the complement: POLR1A is on the minus strand). VCF-style: chr2-86027959-C-T. GRCh37 (hg19) VCF-style: chr2-86255082-C-T.
Other names: short protein forms R1663Q.
Identifiers: ClinVar variation 1897712 (VCV001897712.5), dbSNP rs753605159, ClinGen allele CA1745304.